The following is an entry in ClinVar:

NM_000722.4(CACNA2D1):c.2047C>A (p.Pro683Thr)

Gene: CACNA2D1 (calcium voltage-gated channel auxiliary subunit alpha2delta 1; minus strand). Cytogenetic location: 7q21.11.
Variant type: single nucleotide variant.
Coding change: c.2047C>A on transcript NM_000722.4 (MANE Select); coding-DNA position 2047, C replaced by A.
Protein change: p.Pro683Thr; replaces proline 683 with threonine.
Molecular consequence: missense variant.
Genome position (GRCh38, 1-based): chr7:81,974,461, G>T on the plus strand (C>A on the coding strand, the complement: CACNA2D1 is on the minus strand). VCF-style: chr7-81974461-G-T. GRCh37 (hg19) VCF-style: chr7-81603777-G-T.
Other names: c.2083C>A, p.Pro695Thr (NM_001366867.1); short protein forms P683T, P695T.
Identifiers: ClinVar variation 4868111 (VCV004868111.1).
Genomic context (GRCh38, chr7:81,974,461, plus strand): 5'-TATAAACCAATAGAACCACACTCAAGCAATCATTTTGAATTAATGCATACTTACATGATG[G>T]GTTGTTTGGAGTTTTTCTATCAATAAACTCGTTGAAATTTAAAAGAAATTCAGTGTTATT-3'
Protein context (NP_000713.2, residues 673-693): EFIDRKTPNN[Pro683Thr]SCNADLINRV

ClinVar aggregate classification (germline): Uncertain significance (1 of 4 stars; one submission).

Conditions:
Cardiovascular phenotype. Identifiers: MedGen CN230736.

Submission:

Ambry Genetics
Classification: Uncertain significance for Cardiovascular phenotype. Last evaluated: 2026-05-14. Review status: criteria provided, single submitter. Criteria: Ambry Variant Classification Scheme 2023. Collection method: clinical testing. Allele origin: germline.
Comment: The p.P683T variant (also known as c.2047C>A), located in coding exon 25 of the CACNA2D1 gene, results from a C to A substitution at nucleotide position 2047. The proline at codon 683 is replaced by threonine, an amino acid with highly similar properties. This amino acid position is conserved. In addition, this alteration is predicted to be tolerated by in silico analysis. Based on the available evidence, the clinical significance of this variant remains unclear.